The following is an entry in ClinVar:

ClinVar aggregate classification (germline): Uncertain significance (1 of 4 stars; one submission).

Conditions:
Autosomal dominant limb-girdle muscular dystrophy type 1G (LGMDD3). Also called: Limb-girdle muscular dystrophy, type 1G; MUSCULAR DYSTROPHY, LIMB-GIRDLE, AUTOSOMAL DOMINANT 3. Identifiers: Orphanet 55596, MedGen C1836765, MONDO:0012193, OMIM 609115.

Allele frequency attached by ClinVar (database versions not stated): TOPMed below 0.00001; gnomAD 0.00001.

Submission:

Labcorp Genetics (formerly Invitae), Labcorp
Classification: Uncertain significance for Autosomal dominant limb-girdle muscular dystrophy type 1G. Last evaluated: 2022-02-10. Review status: criteria provided, single submitter. Criteria: Invitae Variant Classification Sherloc (09022015). Collection method: clinical testing. Allele origin: germline.
Comment: In summary, the available evidence is currently insufficient to determine the role of this variant in disease. Therefore, it has been classified as a Variant of Uncertain Significance. Algorithms developed to predict the effect of missense changes on protein structure and function output the following: SIFT: "Tolerated"; PolyPhen-2: "Benign"; Align-GVGD: "Class C0". The alanine amino acid residue is found in multiple mammalian species, which suggests that this missense change does not adversely affect protein function. This variant has not been reported in the literature in individuals affected with HNRNPDL-related conditions. This sequence change replaces threonine, which is neutral and polar, with alanine, which is neutral and non-polar, at codon 119 of the HNRNPDL protein (p.Thr119Ala). This variant is not present in population databases (gnomAD no frequency).

NM_031372.4(HNRNPDL):c.355A>G (p.Thr119Ala)

Gene: HNRNPDL (heterogeneous nuclear ribonucleoprotein D like; minus strand). Cytogenetic location: 4q21.22.
Variant type: single nucleotide variant.
Coding change: c.355A>G on transcript NM_031372.4 (MANE Select); coding-DNA position 355, A replaced by G.
Protein change: p.Thr119Ala; replaces threonine 119 with alanine.
Molecular consequence: missense variant. On other transcripts: non-coding transcript variant (1).
Genome position (GRCh38, 1-based): chr4:82,429,336, T>C on the plus strand (A>G on the coding strand, the complement: HNRNPDL is on the minus strand). VCF-style: chr4-82429336-T-C. GRCh37 (hg19) VCF-style: chr4-83350489-T-C.
Other names: c.355A>G, p.Thr119Ala (NM_001207000.1); short protein forms T119A.
Identifiers: ClinVar variation 1351696 (VCV001351696.8), dbSNP rs1721582504, ClinGen allele CA357172550.